The following is an entry in ClinVar:

NM_004656.4(BAP1):c.801G>T (p.Gln267His)

Gene: BAP1 (BRCA1 associated deubiquitinase 1; minus strand). Cytogenetic location: 3p21.1.
Variant type: single nucleotide variant.
Coding change: c.801G>T on transcript NM_004656.4 (MANE Select); coding-DNA position 801, G replaced by T.
Protein change: p.Gln267His; replaces glutamine 267 with histidine.
Molecular consequence: missense variant.
Genome position (GRCh38, 1-based): chr3:52,405,895, C>A on the plus strand (G>T on the coding strand, the complement: BAP1 is on the minus strand). VCF-style: chr3-52405895-C-A. GRCh37 (hg19) VCF-style: chr3-52439911-C-A.
Other names: short protein forms Q267H.
Identifiers: ClinVar variation 1692861 (VCV001692861.1), dbSNP rs1553645511, ClinGen allele CA353106928.

ClinVar aggregate classification (germline): Uncertain significance (1 of 4 stars; one submission).

Conditions:
Hereditary cancer-predisposing syndrome. Also called: Hereditary neoplastic syndrome; Tumor predisposition; Neoplastic Syndromes, Hereditary; Hereditary Cancer Syndrome. Identifiers: Orphanet 140162, MedGen C0027672, MeSH D009386, MONDO:0015356.

Submission:

Sema4
Classification: Uncertain significance for Hereditary cancer-predisposing syndrome. Last evaluated: 2022-01-09. Review status: criteria provided, single submitter. Criteria: Sema4 Curation Guidelines. Collection method: curation. Allele origin: germline.
Comment: The BAP1 c.801G>T (p.Q267H) variant has not been reported in the literature to our knowledge. It was not observed in the large and broad cohorts of the Genome Aggregation Database (PMID: 32461654). This variant has not been reported in ClinVar. Functional studies have not been performed, and in silico predictions of the variant's effect on protein function are inconclusive. The evidence is insufficient to meet ACMG/AMP criteria for classifying the variant as benign or pathogenic. Thus, the clinical significance of this variant is currently uncertain.